The following is an entry in ClinVar:

NM_000195.5(HPS1):c.1341del (p.Trp448fs)

Gene: HPS1 (HPS1 biogenesis of lysosomal organelles complex 3 subunit 1; minus strand). Cytogenetic location: 10q24.2.
Variant type: Deletion.
Coding change: c.1341del on transcript NM_000195.5 (MANE Select); coding-DNA position 1341, one base deleted (C; older notation c.1341delC).
Protein change: p.Trp448fs; shifts the reading frame from tryptophan 448.
Molecular consequence: frameshift variant.
Genome position (GRCh38, 1-based): chr10:98,424,369, G deleted on the plus strand (C on the coding strand, the reverse complement: HPS1 is on the minus strand); the first of 2 consecutive G bases (chr10:98,424,369-98,424,370); deleting either gives the same sequence. VCF-style (leftmost placement, unchanged base first): chr10-98424368-AG-A. GRCh37 (hg19) VCF-style: chr10-100184125-AG-A.
Other names: c.369del, p.Trp124fs (NM_001311345.2, NM_001322487.2, NM_001322489.2); c.1341del, p.Trp448fs (NM_001322476.2, NM_001322477.2); c.1242del, p.Trp415fs (NM_001322478.2, NM_001322479.2); c.1080del, p.Trp361fs (NM_001322480.2, NM_001322481.2); c.981del, p.Trp328fs (NM_001322482.2); c.972del, p.Trp325fs (NM_001322483.2, NM_001322484.2); c.873del, p.Trp292fs (NM_001322485.2); short protein forms W124fs, W292fs, W325fs, W448fs, W415fs, W328fs, W361fs.
Identifiers: ClinVar variation 2859909 (VCV002859909.3), dbSNP rs756433074, ClinGen allele CA5639062.

ClinVar aggregate classification (germline): Pathogenic (1 of 4 stars; one submission).

Submission:

Labcorp Genetics (formerly Invitae), Labcorp
Classification: Pathogenic. Last evaluated: 2023-04-28. Review status: criteria provided, single submitter. Criteria: Invitae Variant Classification Sherloc (09022015). Collection method: clinical testing. Allele origin: germline.
Comment: This variant is present in population databases (rs756433074, gnomAD 0.0009%). For these reasons, this variant has been classified as Pathogenic. This variant has not been reported in the literature in individuals affected with HPS1-related conditions. This sequence change creates a premature translational stop signal (p.Trp448Glyfs*27) in the HPS1 gene. It is expected to result in an absent or disrupted protein product. Loss-of-function variants in HPS1 are known to be pathogenic (PMID: 12442288, 16185271).

Literature cited by the submitters: PubMed 12442288; PubMed 16185271.